The following is an entry in ClinVar:

NM_001003800.2(BICD2):c.1294C>A (p.Pro432Thr)

Gene: BICD2 (BICD cargo adaptor 2; minus strand). Cytogenetic location: 9q22.31.
Variant type: single nucleotide variant.
Coding change: c.1294C>A on transcript NM_001003800.2 (MANE Select); coding-DNA position 1294, C replaced by A.
Protein change: p.Pro432Thr; replaces proline 432 with threonine.
Molecular consequence: missense variant.
Genome position (GRCh38, 1-based): chr9:92,719,351, G>T on the plus strand (C>A on the coding strand, the complement: BICD2 is on the minus strand). VCF-style: chr9-92719351-G-T. GRCh37 (hg19) VCF-style: chr9-95481633-G-T.
Other names: c.1294C>A, p.Pro432Thr (NM_015250.4); short protein forms P432T.
Identifiers: ClinVar variation 1806699 (VCV001806699.1), dbSNP rs2490446867, ClinGen allele CA374039042.
Genomic context (GRCh38, chr9:92,719,351, plus strand): 5'-GCTCGCGGAGCTCGCCAGCCTCAGCCACAGCCACATGGTACTTGCAGGCCAAGATCTCAG[G>T]CCCGTTGATGTCCACCTCGTAGTAGTCCCCATCCTCATGGCTGTCACGGTCCTTCTCGTT-3'
Protein context (NP_001003800.1, residues 422-442): GDYYEVDING[Pro432Thr]EILACKYHVA

ClinVar aggregate classification (germline): Uncertain significance (1 of 4 stars; one submission).

Submission:

GeneDx
Classification: Uncertain significance. Last evaluated: 2022-06-22. Review status: criteria provided, single submitter. Criteria: GeneDx Variant Classification Process June 2021. Collection method: clinical testing. Allele origin: germline. Affected: yes.
Comment: Not observed at significant frequency in large population cohorts (gnomAD); In silico analysis supports that this missense variant does not alter protein structure/function; Has not been previously published as pathogenic or benign to our knowledge